The following is an entry in ClinVar:

ClinVar aggregate classification (germline): Benign/Likely benign. Review status: criteria provided, multiple submitters, no conflicts (2 of 4 stars). 3 submissions from 3 submitters: Benign (1); Likely benign (1). 1 of the submissions does not count toward it. Last evaluated 2026-01-15.

Conditions:
CFAP410-related disorder. Also called: CFAP410-related condition.

Allele frequency attached by ClinVar (database versions not stated): gnomAD exomes 0.00007 and 0.00027; ESP Exome Variant Server 0.00015; gnomAD 0.00016; TOPMed 0.00023; 1000 Genomes Project 30x 0.00031; ExAC 0.00032; 1000 Genomes Project 0.00040.
gnomAD v4.1: 127 of 1,604,024 alleles (0.0079%); highest among the groups gnomAD compares: Admixed American, 0.19%; no homozygotes.

Submissions (3):

Labcorp Genetics (formerly Invitae), Labcorp
Classification: Benign. Last evaluated: 2026-01-15. Review status: criteria provided, single submitter. Criteria: Invitae Variant Classification Sherloc (09022015). Collection method: clinical testing. Allele origin: germline.

Blueprint Genetics
Classification: Likely benign. Last evaluated: 2024-09-12. Review status: criteria provided, single submitter. Criteria: ACMG Guidelines, 2015. Collection method: clinical testing. Allele origin: germline.

PreventionGenetics, part of Exact Sciences
Classification: Likely benign for CFAP410-related condition. Last evaluated: 2019-08-02. Review status: no assertion criteria provided. Collection method: clinical testing. Allele origin: germline. Not counted in ClinVar's aggregate classification.
Comment: This variant is classified as likely benign based on ACMG/AMP sequence variant interpretation guidelines (Richards et al. 2015 PMID: 25741868, with internal and published modifications).

NM_004928.3(CFAP410):c.588G>A (p.Arg196=)

Gene: CFAP410 (cilia and flagella associated protein 410; minus strand). Cytogenetic location: 21q22.3.
Variant type: single nucleotide variant.
Coding change: c.588G>A on transcript NM_004928.3 (MANE Select); coding-DNA position 588, G replaced by A.
Protein change: p.Arg196=; no amino-acid change (arginine 196 retained).
Molecular consequence: synonymous variant.
Genome position (GRCh38, 1-based): chr21:44,330,877, C>T on the plus strand (G>A on the coding strand, the complement: CFAP410 is on the minus strand). VCF-style: chr21-44330877-C-T. GRCh37 (hg19) VCF-style: chr21-45750760-C-T.
Other names: c.585G>A, p.Arg195= (NM_001271440.2, NM_001271441.2); c.462G>A, p.Arg154= (NM_001271442.1).
Identifiers: ClinVar variation 747376 (VCV000747376.13), dbSNP rs147159770, ClinGen allele CA10053593.